The following is an entry in ClinVar:

NM_015570.4(AUTS2):c.2790C>T (p.Gly930=)

Gene: AUTS2 (activator of transcription and developmental regulator AUTS2; plus strand). Cytogenetic location: 7q11.22.
Variant type: single nucleotide variant.
Coding change: c.2790C>T on transcript NM_015570.4 (MANE Select); coding-DNA position 2790, C replaced by T.
Protein change: p.Gly930=; no amino-acid change (glycine 930 retained).
Molecular consequence: synonymous variant.
Genome position (GRCh38, 1-based): chr7:70,790,006, C>T. VCF-style: chr7-70790006-C-T. GRCh37 (hg19) VCF-style: chr7-70254992-C-T.
Other names: c.2718C>T, p.Gly906= (NM_001127231.3).
Identifiers: ClinVar variation 2715390 (VCV002715390.25), dbSNP rs773305625, ClinGen allele CA4281185.

ClinVar aggregate classification (germline): Likely benign. Review status: criteria provided, multiple submitters, no conflicts (2 of 4 stars). 2 submissions from 2 submitters: Likely benign (2). Last evaluated 2024-04-25.

Allele frequency attached by ClinVar (database versions not stated): gnomAD 0.00001; gnomAD exomes 0.00001; ExAC 0.00005.
gnomAD v4.1: 21 of 1,597,316 alleles (0.0013%); highest among the groups gnomAD compares: South Asian, 0.018%; no homozygotes.

Submissions (2):

Labcorp Genetics (formerly Invitae), Labcorp
Classification: Likely benign. Last evaluated: 2024-04-25. Review status: criteria provided, single submitter. Criteria: Invitae Variant Classification Sherloc (09022015). Collection method: clinical testing. Allele origin: germline.

CeGaT Center for Human Genetics Tuebingen
Classification: Likely benign. Last evaluated: 2024-02-01. Review status: criteria provided, single submitter. Criteria: CeGaT Center For Human Genetics Tuebingen Variant Classification Criteria Version 2. Collection method: clinical testing. Allele origin: germline. Affected: yes. Observed: 1 variant allele.
Comment: AUTS2: BP4, BP7